The following is an entry in ClinVar:

NM_001267550.2(TTN):c.11311+2285A>G

Gene: TTN (titin; minus strand). Cytogenetic location: 2q31.2.
Variant type: single nucleotide variant.
Coding change: c.11311+2285A>G on transcript NM_001267550.2 (MANE Select); 2285 bases into the intron after coding-DNA position 11311, A replaced by G.
Molecular consequence: intron variant. On other transcripts: missense variant (1).
Genome position (GRCh38, 1-based): chr2:178,750,839, T>C on the plus strand (A>G on the coding strand, the complement: TTN is on the minus strand). VCF-style: chr2-178750839-T-C. GRCh37 (hg19) VCF-style: chr2-179615566-T-C.
Other names: c.11561A>G, p.Tyr3854Cys (NM_133379.5); c.10222+2285A>G (NM_003319.4); c.10798+2285A>G (NM_133437.4); c.10597+2285A>G (NM_133432.3); c.10360+2285A>G (NM_133378.4, NM_001256850.1); short protein forms Y3854C.
Identifiers: ClinVar variation 3026419 (VCV003026419.22), dbSNP rs373763242, ClinGen allele CA60990136.

ClinVar aggregate classification (germline): Uncertain significance (1 of 4 stars; one submission).

Allele frequency attached by ClinVar (database versions not stated): gnomAD exomes 0.00001; TOPMed 0.00002; gnomAD 0.00004; ESP Exome Variant Server 0.00008.
gnomAD v4.1: 14 of 1,613,056 alleles (0.00087%); highest among the groups gnomAD compares: African/African-American, 0.0067%; no homozygotes.

Submission:

CeGaT Center for Human Genetics Tuebingen
Classification: Uncertain significance. Last evaluated: 2024-01-01. Review status: criteria provided, single submitter. Criteria: CeGaT Center For Human Genetics Tuebingen Variant Classification Criteria Version 2. Collection method: clinical testing. Allele origin: germline. Affected: yes. Observed: 1 variant allele.
Comment: TTN: PM2, BP4